The following is an entry in ClinVar:

ClinVar aggregate classification (germline): Uncertain significance. Review status: criteria provided, multiple submitters, no conflicts (2 of 4 stars). 2 submissions from 2 submitters: Uncertain significance (2). Last evaluated 2024-12-03.

Conditions:
Immunodeficiency 104. Also called: SCID, AUTOSOMAL RECESSIVE, T CELL-NEGATIVE, B CELL-POSITIVE, NK CELL-POSITIVE; Severe Combined Immune Deficiency, Autosomal Recessive, TCell -Negative, B Cell-Positive, NK Cell-Positive, IL7R-Related; Severe combined immunodeficiency, autosomal recessive, T cell-negative, B cell-positive, NK cell-positive; IMMUNODEFICIENCY 104, SEVERE COMBINED. Identifiers: MedGen C5676890, MONDO:0012163, OMIM 608971.
Inborn genetic diseases. Identifiers: MedGen C0950123, MeSH D030342.

Allele frequency attached by ClinVar (database versions not stated): gnomAD 0.00002; ExAC 0.00003; gnomAD exomes 0.00003 and 0.00005; TOPMed 0.00004.
gnomAD v4.1: 74 of 1,612,208 alleles (0.0046%); highest among the groups gnomAD compares: Admixed American, 0.01%; no homozygotes.

Submissions (2):

Ambry Genetics
Classification: Uncertain significance for Inborn genetic diseases. Last evaluated: 2024-12-03. Review status: criteria provided, single submitter. Criteria: Ambry Variant Classification Scheme 2023. Collection method: clinical testing. Allele origin: germline.

Labcorp Genetics (formerly Invitae), Labcorp
Classification: Uncertain significance for Immunodeficiency 104. Last evaluated: 2023-11-03. Review status: criteria provided, single submitter. Criteria: Invitae Variant Classification Sherloc (09022015). Collection method: clinical testing. Allele origin: germline.
Comment: This sequence change replaces methionine, which is neutral and non-polar, with isoleucine, which is neutral and non-polar, at codon 869 of the PTPRC protein (p.Met869Ile). This variant is present in population databases (rs770932386, gnomAD 0.01%). This variant has not been reported in the literature in individuals affected with PTPRC-related conditions. ClinVar contains an entry for this variant (Variation ID: 575180). An algorithm developed to predict the effect of missense changes on protein structure and function (PolyPhen-2) suggests that this variant is likely to be disruptive. In summary, the available evidence is currently insufficient to determine the role of this variant in disease. Therefore, it has been classified as a Variant of Uncertain Significance.

NM_002838.5(PTPRC):c.2607G>A (p.Met869Ile)

Gene: PTPRC (protein tyrosine phosphatase receptor type C; plus strand). Cytogenetic location: 1q32.1.
Variant type: single nucleotide variant.
Coding change: c.2607G>A on transcript NM_002838.5 (MANE Select); coding-DNA position 2607, G replaced by A.
Protein change: p.Met869Ile; replaces methionine 869 with isoleucine.
Molecular consequence: missense variant.
Genome position (GRCh38, 1-based): chr1:198,742,277, G>A. VCF-style: chr1-198742277-G-A. GRCh37 (hg19) VCF-style: chr1-198711406-G-A.
Other names: c.2124G>A, p.Met708Ile (NM_080921.4); c.2601G>A (NM_002838.3); short protein forms M869I, M708I.
Identifiers: ClinVar variation 575180 (VCV000575180.11), dbSNP rs770932386, ClinGen allele CA1315191.
Genomic context (GRCh38, chr1:198,742,277, plus strand): 5'-TGCTTGGTTTGCCAGTGCTGGTGTTGGGCGCACAGGAACCTATATCGGAATTGATGCCAT[G>A]CTAGAAGGCCTGGAAGCCGAGAACAAAGTGGATGTTTATGGTTATGTTGTCAAGCTAAGG-3'
Protein context (NP_002829.3, residues 859-879): RTGTYIGIDA[Met869Ile]LEGLEAENKV